The following is an entry in ClinVar:

NM_001205293.3(CACNA1E):c.4138C>T (p.His1380Tyr)

Gene: CACNA1E (calcium voltage-gated channel subunit alpha1 E; plus strand). Cytogenetic location: 1q25.3.
Variant type: single nucleotide variant.
Coding change: c.4138C>T on transcript NM_001205293.3 (MANE Select); coding-DNA position 4138, C replaced by T.
Protein change: p.His1380Tyr; replaces histidine 1380 with tyrosine.
Molecular consequence: missense variant.
Genome position (GRCh38, 1-based): chr1:181,756,935, C>T. VCF-style: chr1-181756935-C-T. GRCh37 (hg19) VCF-style: chr1-181726071-C-T.
Other names: c.4138C>T, p.His1380Tyr (NM_000721.4); c.4081C>T, p.His1361Tyr (NM_001205294.2); short protein forms H1380Y, H1361Y.
Identifiers: ClinVar variation 3693114 (VCV003693114.2).

ClinVar aggregate classification (germline): Uncertain significance (1 of 4 stars; one submission).

gnomAD v4.1: 2 of 1,608,550 alleles (0.00012%); highest among the groups gnomAD compares: Non-Finnish European, 0.00017%; no homozygotes.

Submission:

Labcorp Genetics (formerly Invitae), Labcorp
Classification: Uncertain significance. Last evaluated: 2024-07-11. Review status: criteria provided, single submitter. Criteria: Invitae Variant Classification Sherloc (09022015). Collection method: clinical testing. Allele origin: germline.
Comment: This sequence change replaces histidine, which is basic and polar, with tyrosine, which is neutral and polar, at codon 1380 of the CACNA1E protein (p.His1380Tyr). This variant is not present in population databases (gnomAD no frequency). This variant has not been reported in the literature in individuals affected with CACNA1E-related conditions. Advanced modeling of protein sequence and biophysical properties (such as structural, functional, and spatial information, amino acid conservation, physicochemical variation, residue mobility, and thermodynamic stability) has been performed at Invitae for this missense variant, however the output from this modeling did not meet the statistical confidence thresholds required to predict the impact of this variant on CACNA1E protein function. In summary, the available evidence is currently insufficient to determine the role of this variant in disease. Therefore, it has been classified as a Variant of Uncertain Significance.